The following is an entry in ClinVar:

NM_018341.3(ERMARD):c.632C>T (p.Thr211Met)

Gene: ERMARD (ER membrane associated RNA degradation; plus strand). Cytogenetic location: 6q27.
Variant type: single nucleotide variant.
Coding change: c.632C>T on transcript NM_018341.3 (MANE Select); coding-DNA position 632, C replaced by T.
Protein change: p.Thr211Met; replaces threonine 211 with methionine.
Molecular consequence: missense variant.
Genome position (GRCh38, 1-based): chr6:169,759,864, C>T. VCF-style: chr6-169759864-C-T. GRCh37 (hg19) VCF-style: chr6-170159960-C-T.
Other names: c.632C>T, p.Thr211Met (NM_001278531.2, NM_001278533.2); c.254C>T, p.Thr85Met (NM_001278532.2); c.632C>T (NM_018341.1); short protein forms T211M, T85M.
Identifiers: ClinVar variation 1341867 (VCV001341867.10), dbSNP rs770631548, ClinGen allele CA4105934.

ClinVar aggregate classification (germline): Uncertain significance. Review status: criteria provided, multiple submitters, no conflicts (2 of 4 stars). 3 submissions from 3 submitters: Uncertain significance (3). Last evaluated 2025-12-03.

Conditions:
Periventricular nodular heterotopia 6 (PVNH6). Identifiers: Orphanet 2149, MedGen C3809872, MONDO:0014240, OMIM 615544.

Allele frequency attached by ClinVar (database versions not stated): ExAC 0.00001; gnomAD exomes 0.00001; TOPMed 0.00001; gnomAD 0.00002.
gnomAD v4.1: 11 of 1,614,006 alleles (0.00068%); highest among the groups gnomAD compares: African/African-American, 0.004%; no homozygotes.

Submissions (3):

Ambry Genetics
Classification: Uncertain significance. Last evaluated: 2025-12-03. Review status: criteria provided, single submitter. Criteria: Ambry Variant Classification Scheme 2023. Collection method: clinical testing. Allele origin: germline.

Labcorp Genetics (formerly Invitae), Labcorp
Classification: Uncertain significance. Last evaluated: 2022-11-08. Review status: criteria provided, single submitter. Criteria: Invitae Variant Classification Sherloc (09022015). Collection method: clinical testing. Allele origin: germline.
Comment: This sequence change replaces threonine, which is neutral and polar, with methionine, which is neutral and non-polar, at codon 211 of the ERMARD protein (p.Thr211Met). This variant is present in population databases (rs770631548, gnomAD 0.008%). This variant has not been reported in the literature in individuals affected with ERMARD-related conditions. ClinVar contains an entry for this variant (Variation ID: 1341867). Advanced modeling of protein sequence and biophysical properties (such as structural, functional, and spatial information, amino acid conservation, physicochemical variation, residue mobility, and thermodynamic stability) performed at Invitae indicates that this missense variant is not expected to disrupt ERMARD protein function. In summary, the available evidence is currently insufficient to determine the role of this variant in disease. Therefore, it has been classified as a Variant of Uncertain Significance.

New York Genome Center
Classification: Uncertain significance for Periventricular nodular heterotopia 6. Last evaluated: 2021-02-09. Review status: criteria provided, single submitter. Criteria: NYGC Assertion Criteria 2020. Collection method: clinical testing. Allele origin: inherited. Observed: 1 heterozygote. Study: CSER-NYCKidSeq.